The following is an entry in ClinVar:

NM_000053.4(ATP7B):c.2763T>A (p.Ser921Arg)

Gene: ATP7B (ATPase copper transporting beta; minus strand). Cytogenetic location: 13q14.3.
Variant type: single nucleotide variant.
Coding change: c.2763T>A on transcript NM_000053.4 (MANE Select); coding-DNA position 2763, T replaced by A.
Protein change: p.Ser921Arg; replaces serine 921 with arginine.
Molecular consequence: missense variant. On other transcripts: intron variant (1).
Genome position (GRCh38, 1-based): chr13:51,949,764, A>T on the plus strand (T>A on the coding strand, the complement: ATP7B is on the minus strand). VCF-style: chr13-51949764-A-T. GRCh37 (hg19) VCF-style: chr13-52523900-A-T.
Other names: c.2523T>A, p.Ser841Arg (NM_001406530.1); c.2277T>A, p.Ser759Arg (NM_001406542.1, NM_001406541.1, NM_001406546.1); c.2619T>A, p.Ser873Arg (NM_001406520.1, NM_001406521.1, NM_001406522.1 and 1 more transcripts); c.2763T>A, p.Ser921Arg (NM_001406523.1, NM_001406525.1, NM_001406526.1 and 5 more transcripts); c.2586T>A, p.Ser862Arg (NM_001406524.1); c.2529T>A, p.Ser843Arg (NM_001406527.1, NM_001406528.1, NM_001330578.2 and 2 more transcripts); c.2430T>A, p.Ser810Arg (NM_001243182.2); c.2511T>A, p.Ser837Arg (NM_001330579.2, NM_001406531.1, NM_001406532.1 and 1 more transcripts); and 9 more; short protein forms S705R, S759R, S810R, S811R, S837R, S843R, S862R, S889R.
Identifiers: ClinVar variation 2137521 (VCV002137521.5), dbSNP rs1052485948, ClinGen allele CA250084899.
Genomic context (GRCh38, chr13:51,949,764, plus strand): 5'-TACAATCCATACCACCAACGTCAAAGTTGACATGATGATGATAAATGGGACAAAATATCC[A>T]CTAAACCGGTCAGCCAGCTGCTGAATGGGTGCCTATGAAAATAAAACACCAAGACCATGG-3'
Protein context (NP_000044.2, residues 911-931): APIQQLADRF[Ser921Arg]GYFVPFIIIM

ClinVar aggregate classification (germline): Pathogenic/Likely pathogenic. Review status: criteria provided, multiple submitters, no conflicts (2 of 4 stars). 2 submissions from 2 submitters: Pathogenic (1); Likely pathogenic (1). Last evaluated 2024-03-18.

Conditions:
Wilson disease (WND). Also called: Wilson's disease. Identifiers: Orphanet 905, MedGen C0019202, MONDO:0010200, OMIM 277900. Disease mechanism: loss of function.

gnomAD v4.1: 3 of 1,614,114 alleles (0.00019%); highest among the groups gnomAD compares: Non-Finnish European, 0.00025%; no homozygotes.

Submissions (2):

Baylor Genetics
Classification: Likely pathogenic for Wilson disease. Last evaluated: 2024-03-18. Review status: criteria provided, single submitter. Criteria: ACMG Guidelines, 2015. Collection method: clinical testing. Allele origin: unknown.

Labcorp Genetics (formerly Invitae), Labcorp
Classification: Pathogenic for Wilson disease. Last evaluated: 2022-06-12. Review status: criteria provided, single submitter. Criteria: Invitae Variant Classification Sherloc (09022015). Collection method: clinical testing. Allele origin: germline.
Comment: For these reasons, this variant has been classified as Pathogenic. This variant disrupts the p.Ser921 amino acid residue in ATP7B. Other variant(s) that disrupt this residue have been determined to be pathogenic (PMID: 9671269, 32043565; Invitae). This suggests that this residue is clinically significant, and that variants that disrupt this residue are likely to be disease-causing. Advanced modeling of protein sequence and biophysical properties (such as structural, functional, and spatial information, amino acid conservation, physicochemical variation, residue mobility, and thermodynamic stability) performed at Invitae indicates that this missense variant is expected to disrupt ATP7B protein function. This missense change has been observed in individual(s) with Wilson disease (PMID: 21796144, 23235335). This variant is not present in population databases (gnomAD no frequency). This sequence change replaces serine, which is neutral and polar, with arginine, which is basic and polar, at codon 921 of the ATP7B protein (p.Ser921Arg).

Literature cited by the submitters: PubMed 9671269 (cited by Labcorp Genetics (formerly Invitae), Labcorp); PubMed 32043565 (cited by Labcorp Genetics (formerly Invitae), Labcorp); PubMed 21796144 (cited by Labcorp Genetics (formerly Invitae), Labcorp); PubMed 23235335 (cited by Labcorp Genetics (formerly Invitae), Labcorp).